The following is an entry in ClinVar:

ClinVar aggregate classification (germline): Benign/Likely benign. Review status: criteria provided, multiple submitters, no conflicts (2 of 4 stars). 3 submissions from 3 submitters: Benign (1); Likely benign (2). Last evaluated 2026-06-01.

Allele frequency attached by ClinVar (database versions not stated): gnomAD 0.00004 and 0.00005; gnomAD exomes 0.00010 and 0.00018; 1000 Genomes Project 30x 0.00016; 1000 Genomes Project 0.00020; ExAC 0.00030.
gnomAD v4.1: 137 of 1,402,726 alleles (0.0098%); highest among the groups gnomAD compares: South Asian, 0.096%; no homozygotes.

Submissions (3):

CeGaT Center for Human Genetics Tuebingen
Classification: Likely benign. Last evaluated: 2026-06-01. Review status: criteria provided, single submitter. Criteria: CeGaT Center For Human Genetics Tuebingen Variant Classification Criteria Version 2. Collection method: clinical testing. Allele origin: germline. Affected: yes. Observed: 4 variant alleles.
Comment: TOP2B: BP4, BP7

Labcorp Genetics (formerly Invitae), Labcorp
Classification: Benign. Last evaluated: 2025-12-08. Review status: criteria provided, single submitter. Criteria: Invitae Variant Classification Sherloc (09022015). Collection method: clinical testing. Allele origin: germline.

Blueprint Genetics
Classification: Likely benign. Last evaluated: 2024-11-21. Review status: criteria provided, single submitter. Criteria: ACMG Guidelines, 2015. Collection method: clinical testing. Allele origin: germline.

NM_001330700.2(TOP2B):c.462G>A (p.Glu154=)

Gene: TOP2B (DNA topoisomerase II beta; minus strand). Cytogenetic location: 3p24.2.
Variant type: single nucleotide variant.
Coding change: c.462G>A on transcript NM_001330700.2 (MANE Select); coding-DNA position 462, G replaced by A.
Protein change: p.Glu154=; no amino-acid change (glutamic acid 154 retained).
Molecular consequence: synonymous variant.
Genome position (GRCh38, 1-based): chr3:25,638,244, C>T on the plus strand (G>A on the coding strand, the complement: TOP2B is on the minus strand). VCF-style: chr3-25638244-C-T. GRCh37 (hg19) VCF-style: chr3-25679735-C-T.
Other names: c.447G>A, p.Glu149= (NM_001068.3).
Identifiers: ClinVar variation 1599629 (VCV001599629.40), dbSNP rs560232225, ClinGen allele CA2288888.